The following is an entry in ClinVar:

ClinVar aggregate classification (germline): Uncertain significance (1 of 4 stars; one submission).

gnomAD v4.1: 1 of 1,613,826 alleles (0.000062%); highest among the groups gnomAD compares: Middle Eastern, 0.017%; no homozygotes.

Submission:

GeneDx
Classification: Uncertain significance. Last evaluated: 2025-05-09. Review status: criteria provided, single submitter. Criteria: GeneDx Variant Classification Process June 2021. Collection method: clinical testing. Allele origin: germline. Affected: yes.
Comment: Not observed at significant frequency in large population cohorts (gnomAD); In silico analysis supports that this missense variant has a deleterious effect on protein structure/function; Has not been previously published as pathogenic or benign to our knowledge

NM_000069.3(CACNA1S):c.2566G>A (p.Ala856Thr)

Gene: CACNA1S (calcium voltage-gated channel subunit alpha1 S; minus strand). Cytogenetic location: 1q32.1.
Variant type: single nucleotide variant.
Coding change: c.2566G>A on transcript NM_000069.3 (MANE Select); coding-DNA position 2566, G replaced by A.
Protein change: p.Ala856Thr; replaces alanine 856 with threonine.
Molecular consequence: missense variant.
Genome position (GRCh38, 1-based): chr1:201,066,978, C>T on the plus strand (G>A on the coding strand, the complement: CACNA1S is on the minus strand). VCF-style: chr1-201066978-C-T. GRCh37 (hg19) VCF-style: chr1-201036106-C-T.
Other names: short protein forms A856T.
Identifiers: ClinVar variation 4529921 (VCV004529921.1).